The following is an entry in ClinVar:

NM_000492.4(CFTR):c.1535A>G (p.Tyr512Cys)

Genes: CFTR (CF transmembrane conductance regulator; plus strand), CFTR-AS1 (CFTR antisense RNA 1; minus strand). Cytogenetic location: 7q31.2.
Variant type: single nucleotide variant.
Coding change: c.1535A>G on transcript NM_000492.4 (MANE Select); coding-DNA position 1535, A replaced by G.
Protein change: p.Tyr512Cys; replaces tyrosine 512 with cysteine.
Molecular consequence: missense variant.
Genome position (GRCh38, 1-based): chr7:117,559,606, A>G. VCF-style: chr7-117559606-A-G. GRCh37 (hg19) VCF-style: chr7-117199660-A-G.
Other names: c.1535A>G (NM_000492.3); short protein forms Y512C.
Identifiers: ClinVar variation 1429090 (VCV001429090.5), dbSNP rs1048256995, ClinGen allele CA164967788.

ClinVar aggregate classification (germline): Uncertain significance. Review status: criteria provided, multiple submitters, no conflicts (2 of 4 stars). 2 submissions from 2 submitters: Uncertain significance (2). Last evaluated 2025-01-27.

Conditions:
Cystic fibrosis (CF). Also called: MUCOVISCIDOSIS. Identifiers: Orphanet 586, MedGen C0010674, MONDO:0009061, OMIM 219700. Disease mechanism: loss of function.

Allele frequency attached by ClinVar (database versions not stated): gnomAD exomes below 0.00001; TOPMed below 0.00001.
gnomAD v4.1: 2 of 1,613,346 alleles (0.00012%); highest among the groups gnomAD compares: East Asian, 0.0022%; no homozygotes.

Submissions (2):

Labcorp Genetics (formerly Invitae), Labcorp
Classification: Uncertain significance for Cystic fibrosis. Last evaluated: 2025-01-27. Review status: criteria provided, single submitter. Criteria: Invitae Variant Classification Sherloc (09022015). Collection method: clinical testing. Allele origin: germline.
Comment: This sequence change replaces tyrosine, which is neutral and polar, with cysteine, which is neutral and slightly polar, at codon 512 of the CFTR protein (p.Tyr512Cys). This variant is not present in population databases (gnomAD no frequency). This variant has not been reported in the literature in individuals affected with CFTR-related conditions. ClinVar contains an entry for this variant (Variation ID: 1429090). Invitae Evidence Modeling of protein sequence and biophysical properties (such as structural, functional, and spatial information, amino acid conservation, physicochemical variation, residue mobility, and thermodynamic stability) indicates that this missense variant is expected to disrupt CFTR protein function with a positive predictive value of 80%. In summary, the available evidence is currently insufficient to determine the role of this variant in disease. Therefore, it has been classified as a Variant of Uncertain Significance.

Ambry Genetics
Classification: Uncertain significance for Cystic fibrosis. Last evaluated: 2023-11-28. Review status: criteria provided, single submitter. Criteria: Ambry Variant Classification Scheme 2023. Collection method: clinical testing. Allele origin: germline.
Comment: The p.Y512C variant (also known as c.1535A>G), located in coding exon 11 of the CFTR gene, results from an A to G substitution at nucleotide position 1535. The tyrosine at codon 512 is replaced by cysteine, an amino acid with highly dissimilar properties. This amino acid position is highly conserved in available vertebrate species. In addition, this alteration is predicted to be deleterious by in silico analysis. Since supporting evidence is limited at this time, the clinical significance of this alteration remains unclear.